The following is an entry in ClinVar:

ClinVar aggregate classification (germline): Pathogenic (1 of 4 stars; one submission).

Conditions:
Congenital muscular hypertrophy-cerebral syndrome (CDLS2). Also called: Cornelia de Lange syndrome 2; SMC1A-Related Cornelia de Lange Syndrome. Identifiers: Orphanet 199, MedGen C1802395, MONDO:0010370, OMIM 300590.

Submission:

Labcorp Genetics (formerly Invitae), Labcorp
Classification: Pathogenic for Congenital muscular hypertrophy-cerebral syndrome. Last evaluated: 2022-07-05. Review status: criteria provided, single submitter. Criteria: Invitae Variant Classification Sherloc (09022015). Collection method: clinical testing. Allele origin: germline.
Comment: For these reasons, this variant has been classified as Pathogenic. ClinVar contains an entry for this variant (Variation ID: 1351039). This variant has not been reported in the literature in individuals affected with SMC1A-related conditions. This variant is not present in population databases (gnomAD no frequency). This sequence change creates a premature translational stop signal (p.Gln813*) in the SMC1A gene. It is expected to result in an absent or disrupted protein product. Loss-of-function variants in SMC1A are known to be pathogenic (PMID: 26386245, 27334371, 28166369, 28548707, 31334757).

Literature cited by the submitters: PubMed 26386245; PubMed 27334371; PubMed 28166369; PubMed 28548707; PubMed 31334757.

NM_006306.4(SMC1A):c.2437C>T (p.Gln813Ter)

Gene: SMC1A (structural maintenance of chromosomes 1A; minus strand). Cytogenetic location: Xp11.22.
Variant type: single nucleotide variant.
Coding change: c.2437C>T on transcript NM_006306.4 (MANE Select); coding-DNA position 2437, C replaced by T.
Protein change: p.Gln813Ter; replaces glutamine 813 with a stop codon.
Molecular consequence: nonsense.
Genome position (GRCh38, 1-based): chrX:53,399,714, G>A on the plus strand (C>T on the coding strand, the complement: SMC1A is on the minus strand). VCF-style: chrX-53399714-G-A. GRCh37 (hg19) VCF-style: chrX-53426636-G-A.
Other names: c.2371C>T, p.Gln791Ter (NM_001281463.1); short protein forms Q791*, Q813*.
Identifiers: ClinVar variation 1351039 (VCV001351039.6), dbSNP rs2146595540, ClinGen allele CA413250751.